The following is an entry in ClinVar:

NM_001278116.2(L1CAM):c.683G>A (p.Arg228Gln)

Gene: L1CAM (L1 cell adhesion molecule; minus strand). Cytogenetic location: Xq28.
Variant type: single nucleotide variant.
Coding change: c.683G>A on transcript NM_001278116.2 (MANE Select); coding-DNA position 683, G replaced by A.
Protein change: p.Arg228Gln; replaces arginine 228 with glutamine.
Molecular consequence: missense variant.
Genome position (GRCh38, 1-based): chrX:153,870,801, C>T on the plus strand (G>A on the coding strand, the complement: L1CAM is on the minus strand). VCF-style: chrX-153870801-C-T. GRCh37 (hg19) VCF-style: chrX-153136256-C-T.
Other names: c.683G>A, p.Arg228Gln (NM_000425.5, NM_024003.3); c.668G>A, p.Arg223Gln (NM_001143963.2); short protein forms R223Q, R228Q.
Identifiers: ClinVar variation 4538992 (VCV004538992.2).

ClinVar aggregate classification (germline): Conflicting classifications of pathogenicity. Review status: criteria provided, conflicting classifications (1 of 4 stars). 2 submissions from 2 submitters: Uncertain significance (1); Likely benign (1). Last evaluated 2025-06-20.

gnomAD v4.1: 6 of 1,206,949 alleles (0.0005%); highest among the groups gnomAD compares: Non-Finnish European, 0.00067%; no homozygotes.

Submissions (2):

GeneDx
Classification: Uncertain significance. Last evaluated: 2025-06-20. Review status: criteria provided, single submitter. Criteria: GeneDx Variant Classification Process June 2021. Collection method: clinical testing. Allele origin: germline. Affected: yes.
Comment: Reported in a meeting abstract as a hemizygous variant identified in a patient with hydrocephalus who had L1CAM sequencing (Amrom, D., et al. X-linked Hydrocephalus due to a new missense mutation: a cause of cerebral palsy. Eur J Paediatr Neurol 11.s1 (2007): 48-48.); In silico analysis suggests that this missense variant does not alter protein structure/function; In silico analysis suggests this variant may impact gene splicing. In the absence of RNA/functional studies, the actual effect of this sequence change is unknown.; This variant is associated with the following publications: (PMID: Amrom2007[Abstract])

Blueprint Genetics
Classification: Likely benign. Last evaluated: 2024-09-24. Review status: criteria provided, single submitter. Criteria: ACMG Guidelines, 2015. Collection method: clinical testing. Allele origin: germline.